The following is an entry in ClinVar:

ClinVar aggregate classification (germline): Uncertain significance. Review status: criteria provided, multiple submitters, no conflicts (2 of 4 stars). 4 submissions from 4 submitters: Uncertain significance (3). 1 of the submissions does not count toward it. Last evaluated 2024-08-28.

Conditions:
Hereditary cancer-predisposing syndrome. Also called: Hereditary Cancer Syndrome; Hereditary neoplastic syndrome; Neoplastic Syndromes, Hereditary; Tumor predisposition. Identifiers: Orphanet 140162, MedGen C0027672, MeSH D009386, MONDO:0015356.
Bloom syndrome (BLM). Also called: Bloom-Torre-Machacek syndrome. Identifiers: Orphanet 125, MedGen C0005859, MONDO:0008876, OMIM 210900.

Allele frequency attached by ClinVar (database versions not stated): TOPMed below 0.00001; gnomAD 0.00001; gnomAD exomes 0.00001.
gnomAD v4.1: 13 of 1,613,758 alleles (0.00081%); highest among the groups gnomAD compares: African/African-American, 0.0013%; no homozygotes.

Submissions (4):

Labcorp Genetics (formerly Invitae), Labcorp
Classification: Uncertain significance for Bloom syndrome. Last evaluated: 2024-08-28. Review status: criteria provided, single submitter. Criteria: Invitae Variant Classification Sherloc (09022015). Collection method: clinical testing. Allele origin: germline.
Comment: This sequence change replaces leucine, which is neutral and non-polar, with phenylalanine, which is neutral and non-polar, at codon 789 of the BLM protein (p.Leu789Phe). This variant is not present in population databases (gnomAD no frequency). This variant has not been reported in the literature in individuals affected with BLM-related conditions. ClinVar contains an entry for this variant (Variation ID: 405322). Invitae Evidence Modeling of protein sequence and biophysical properties (such as structural, functional, and spatial information, amino acid conservation, physicochemical variation, residue mobility, and thermodynamic stability) indicates that this missense variant is expected to disrupt BLM protein function with a positive predictive value of 80%. In summary, the available evidence is currently insufficient to determine the role of this variant in disease. Therefore, it has been classified as a Variant of Uncertain Significance.

Ambry Genetics
Classification: Uncertain significance for Hereditary cancer-predisposing syndrome. Last evaluated: 2023-01-17. Review status: criteria provided, single submitter. Criteria: Ambry Variant Classification Scheme 2023. Collection method: clinical testing. Allele origin: germline.
Comment: The p.L789F variant (also known as c.2367G>C), located in coding exon 10 of the BLM gene, results from a G to C substitution at nucleotide position 2367. The leucine at codon 789 is replaced by phenylalanine, an amino acid with highly similar properties. This amino acid position is highly conserved in available vertebrate species. In addition, the in silico prediction for this alteration is inconclusive. Since supporting evidence is limited at this time, the clinical significance of this alteration remains unclear.

Genetic Services Laboratory, University of Chicago
Classification: Uncertain significance. Last evaluated: 2021-04-11. Review status: criteria provided, single submitter. Criteria: ACMG Guidelines, 2015. Collection method: clinical testing. Allele origin: germline. Affected: no.
Comment: DNA sequence analysis of the BLM gene demonstrated a sequence change, c.2367G>C, in exon 11 that results in an amino acid change, p.Leu789Phe. This sequence change does not appear to have been previously described in individuals with BLM-related disorders. This sequence change is absent in the gnomAD population database. The p.Leu789Phe change affects a highly conserved amino acid residue located in the helicase domain of the BLM protein. In-silico pathogenicity prediction tools (SIFT, PolyPhen2, Align GVGD, REVEL) provide contradictory results for the p.Leu789Phe substitution. Due to these contrasting evidences and the lack of functional studies, the clinical significance of the p.Leu789Phe change remains unknown at this time.

Natera, Inc.
Classification: Uncertain significance for Bloom syndrome. Last evaluated: 2021-02-10. Review status: no assertion criteria provided. Collection method: clinical testing. Allele origin: germline. Not counted in ClinVar's aggregate classification.

NM_000057.4(BLM):c.2367G>C (p.Leu789Phe)

Gene: BLM (BLM RecQ like helicase; plus strand). Cytogenetic location: 15q26.1.
Variant type: single nucleotide variant.
Coding change: c.2367G>C on transcript NM_000057.4 (MANE Select); coding-DNA position 2367, G replaced by C.
Protein change: p.Leu789Phe; replaces leucine 789 with phenylalanine.
Molecular consequence: missense variant.
Genome position (GRCh38, 1-based): chr15:90,769,192, G>C. VCF-style: chr15-90769192-G-C. GRCh37 (hg19) VCF-style: chr15-91312422-G-C.
Other names: c.2367G>C, p.Leu789Phe (NM_001287246.2, NM_001287247.2); c.1242G>C, p.Leu414Phe (NM_001287248.2); short protein forms L789F, L414F.
Identifiers: ClinVar variation 405322 (VCV000405322.23), dbSNP rs1060500651, ClinGen allele CA16614611.